The following is an entry in ClinVar:

ClinVar aggregate classification (germline): Uncertain significance (1 of 4 stars; one submission).

Conditions:
Neuropathy, hereditary sensory, type 1F. Also called: Hereditary sensory neuropathy type IF; HSN IF. Identifiers: Orphanet 36386, MedGen C3810194, MONDO:0014286, OMIM 615632.

gnomAD v4.1: 1 of 1,614,044 alleles (0.000062%); highest among the groups gnomAD compares: African/African-American, 0.0013%; no homozygotes.

Submission:

Labcorp Genetics (formerly Invitae), Labcorp
Classification: Uncertain significance for Neuropathy, hereditary sensory, type 1F. Last evaluated: 2024-09-23. Review status: criteria provided, single submitter. Criteria: Invitae Variant Classification Sherloc (09022015). Collection method: clinical testing. Allele origin: germline.
Comment: This sequence change replaces glutamine, which is neutral and polar, with proline, which is neutral and non-polar, at codon 52 of the ATL3 protein (p.Gln52Pro). This variant is not present in population databases (gnomAD no frequency). This variant has not been reported in the literature in individuals affected with ATL3-related conditions. An algorithm developed to predict the effect of missense changes on protein structure and function (PolyPhen-2) suggests that this variant is likely to be disruptive. In summary, the available evidence is currently insufficient to determine the role of this variant in disease. Therefore, it has been classified as a Variant of Uncertain Significance.

NM_015459.5(ATL3):c.155A>C (p.Gln52Pro)

Gene: ATL3 (atlastin GTPase 3; minus strand). Cytogenetic location: 11q13.1.
Variant type: single nucleotide variant.
Coding change: c.155A>C on transcript NM_015459.5 (MANE Select); coding-DNA position 155, A replaced by C.
Protein change: p.Gln52Pro; replaces glutamine 52 with proline.
Molecular consequence: missense variant.
Genome position (GRCh38, 1-based): chr11:63,659,144, T>G on the plus strand (A>C on the coding strand, the complement: ATL3 is on the minus strand). VCF-style: chr11-63659144-T-G. GRCh37 (hg19) VCF-style: chr11-63426616-T-G.
Other names: c.101A>C, p.Gln34Pro (NM_001290048.2); short protein forms Q34P, Q52P.
Identifiers: ClinVar variation 3696830 (VCV003696830.2).